The following is an entry in ClinVar:

ClinVar aggregate classification (germline): Uncertain significance (1 of 4 stars; one submission).

Submission:

Labcorp Genetics (formerly Invitae), Labcorp
Classification: Uncertain significance. Last evaluated: 2022-02-04. Review status: criteria provided, single submitter. Criteria: Invitae Variant Classification Sherloc (09022015). Collection method: clinical testing. Allele origin: germline.
Comment: In summary, the available evidence is currently insufficient to determine the role of this variant in disease. Therefore, it has been classified as a Variant of Uncertain Significance. Algorithms developed to predict the effect of missense changes on protein structure and function (SIFT, PolyPhen-2, Align-GVGD) all suggest that this variant is likely to be disruptive. This variant has not been reported in the literature in individuals affected with LETM1-related conditions. This variant is not present in population databases (gnomAD no frequency). This sequence change replaces leucine, which is neutral and non-polar, with valine, which is neutral and non-polar, at codon 406 of the LETM1 protein (p.Leu406Val).

NM_012318.3(LETM1):c.1216C>G (p.Leu406Val)

Gene: LETM1 (leucine zipper and EF-hand containing transmembrane protein 1; minus strand). Cytogenetic location: 4p16.3.
Variant type: single nucleotide variant.
Coding change: c.1216C>G on transcript NM_012318.3 (MANE Select); coding-DNA position 1216, C replaced by G.
Protein change: p.Leu406Val; replaces leucine 406 with valine.
Molecular consequence: missense variant.
Genome position (GRCh38, 1-based): chr4:1,823,760, G>C on the plus strand (C>G on the coding strand, the complement: LETM1 is on the minus strand). VCF-style: chr4-1823760-G-C. GRCh37 (hg19) VCF-style: chr4-1825487-G-C.
Other names: short protein forms L406V.
Identifiers: ClinVar variation 2053321 (VCV002053321.4), dbSNP rs760697883, ClinGen allele CA355999238.